The following is an entry in ClinVar:

NM_014314.4(RIGI):c.2345A>T (p.His782Leu)

Genes: RIGI (RNA sensor RIG-I; minus strand), LOC101060445 (uncharacterized LOC101060445; plus strand). Cytogenetic location: 9p21.1.
Variant type: single nucleotide variant.
Coding change: c.2345A>T on transcript NM_014314.4 (MANE Select); coding-DNA position 2345, A replaced by T.
Protein change: p.His782Leu; replaces histidine 782 with leucine.
Molecular consequence: missense variant.
Genome position (GRCh38, 1-based): chr9:32,459,507, T>A on the plus strand (A>T on the coding strand, the complement: RIGI is on the minus strand). VCF-style: chr9-32459507-T-A. GRCh37 (hg19) VCF-style: chr9-32459505-T-A.
Other names: c.2339A>T, p.His780Leu (NM_001385907.1); c.2174A>T, p.His725Leu (NM_001385909.1); c.1904A>T, p.His635Leu (NM_001385910.1); c.1736A>T, p.His579Leu (NM_001385912.1); c.2330A>T, p.His777Leu (NM_001385913.1); c.1901A>T, p.His634Leu (NM_001385914.1); short protein forms H780L, H579L, H725L, H635L, H777L, H634L, H782L.
Identifiers: ClinVar variation 3691652 (VCV003691652.2).

ClinVar aggregate classification (germline): Uncertain significance (1 of 4 stars; one submission).

gnomAD v4.1: 1 of 1,603,430 alleles (0.000062%); highest among the groups gnomAD compares: Non-Finnish European, 0.000085%; no homozygotes.

Submission:

Labcorp Genetics (formerly Invitae), Labcorp
Classification: Uncertain significance. Last evaluated: 2024-07-01. Review status: criteria provided, single submitter. Criteria: Invitae Variant Classification Sherloc (09022015). Collection method: clinical testing. Allele origin: germline.
Comment: This sequence change replaces histidine, which is basic and polar, with leucine, which is neutral and non-polar, at codon 782 of the DDX58 protein (p.His782Leu). This variant is not present in population databases (gnomAD no frequency). This variant has not been reported in the literature in individuals affected with DDX58-related conditions. Advanced modeling of protein sequence and biophysical properties (such as structural, functional, and spatial information, amino acid conservation, physicochemical variation, residue mobility, and thermodynamic stability) performed at Invitae indicates that this missense variant is not expected to disrupt DDX58 protein function with a negative predictive value of 80%. In summary, the available evidence is currently insufficient to determine the role of this variant in disease. Therefore, it has been classified as a Variant of Uncertain Significance.